The following is an entry in ClinVar:

ClinVar aggregate classification (germline): Uncertain significance (1 of 4 stars; one submission).

Conditions:
Intellectual developmental disorder, autosomal dominant 1. Also called: Intellectual disability, autosomal dominant 1; MBD5 Haploinsufficiency. Identifiers: Orphanet 228402, MedGen C1969562, MONDO:0007974, OMIM 156200.

Allele frequency attached by ClinVar (database versions not stated): gnomAD exomes below 0.00001.
gnomAD v4.1: 2 of 1,614,074 alleles (0.00012%); highest among the groups gnomAD compares: Non-Finnish European, 0.00017%; no homozygotes.

Submission:

Labcorp Genetics (formerly Invitae), Labcorp
Classification: Uncertain significance for Intellectual developmental disorder, autosomal dominant 1. Last evaluated: 2023-05-27. Review status: criteria provided, single submitter. Criteria: Invitae Variant Classification Sherloc (09022015). Collection method: clinical testing. Allele origin: germline.
Comment: This variant is not present in population databases (gnomAD no frequency). This variant has not been reported in the literature in individuals affected with MBD5-related conditions. ClinVar contains an entry for this variant (Variation ID: 1364968). Advanced modeling of protein sequence and biophysical properties (such as structural, functional, and spatial information, amino acid conservation, physicochemical variation, residue mobility, and thermodynamic stability) performed at Invitae indicates that this missense variant is not expected to disrupt MBD5 protein function. In summary, the available evidence is currently insufficient to determine the role of this variant in disease. Therefore, it has been classified as a Variant of Uncertain Significance. This sequence change replaces isoleucine, which is neutral and non-polar, with valine, which is neutral and non-polar, at codon 885 of the MBD5 protein (p.Ile885Val).

NM_001378120.1(MBD5):c.2653A>G (p.Ile885Val)

Gene: MBD5 (methyl-CpG binding domain protein 5; plus strand). Cytogenetic location: 2q23.1.
Variant type: single nucleotide variant.
Coding change: c.2653A>G on transcript NM_001378120.1 (MANE Select); coding-DNA position 2653, A replaced by G.
Protein change: p.Ile885Val; replaces isoleucine 885 with valine.
Molecular consequence: missense variant.
Genome position (GRCh38, 1-based): chr2:148,483,244, A>G. VCF-style: chr2-148483244-A-G. GRCh37 (hg19) VCF-style: chr2-149240813-A-G.
Other names: c.2653A>G, p.Ile885Val (NM_018328.5); short protein forms I885V.
Identifiers: ClinVar variation 1364968 (VCV001364968.6), dbSNP rs2105072567, ClinGen allele CA348722404.